The following is an entry in ClinVar:

ClinVar aggregate classification (germline): Uncertain significance (1 of 4 stars; one submission).

Conditions:
Neurofibromatosis, type 2 (SWNV). Also called: SCHWANNOMATOSIS, VESTIBULAR; BILATERAL ACOUSTIC NEUROFIBROMATOSIS; NF2-Related Schwannomatosis. Identifiers: Orphanet 637, MedGen C0027832, MONDO:0007039, OMIM 101000. Disease mechanism: loss of function.

gnomAD v4.1: 1 of 1,614,176 alleles (0.000062%); highest among the groups gnomAD compares: South Asian, 0.0011%; no homozygotes.

Submission:

Labcorp Genetics (formerly Invitae), Labcorp
Classification: Uncertain significance for Neurofibromatosis, type 2. Last evaluated: 2023-10-17. Review status: criteria provided, single submitter. Criteria: Invitae Variant Classification Sherloc (09022015). Collection method: clinical testing. Allele origin: germline.
Comment: This sequence change replaces alanine, which is neutral and non-polar, with aspartic acid, which is acidic and polar, at codon 557 of the NF2 protein (p.Ala557Asp). This variant is not present in population databases (gnomAD no frequency). This variant has not been reported in the literature in individuals affected with NF2-related conditions. Advanced modeling of protein sequence and biophysical properties (such as structural, functional, and spatial information, amino acid conservation, physicochemical variation, residue mobility, and thermodynamic stability) performed at Invitae indicates that this missense variant is not expected to disrupt NF2 protein function. In summary, the available evidence is currently insufficient to determine the role of this variant in disease. Therefore, it has been classified as a Variant of Uncertain Significance.

NM_000268.4(NF2):c.1670C>A (p.Ala557Asp)

Gene: NF2 (NF2, moesin-ezrin-radixin like (MERLIN) tumor suppressor; plus strand). Cytogenetic location: 22q12.2.
Variant type: single nucleotide variant.
Coding change: c.1670C>A on transcript NM_000268.4 (MANE Select); coding-DNA position 1670, C replaced by A.
Protein change: p.Ala557Asp; replaces alanine 557 with aspartic acid.
Molecular consequence: missense variant. On other transcripts: intron variant (3).
Genome position (GRCh38, 1-based): chr22:29,681,534, C>A. VCF-style: chr22-29681534-C-A. GRCh37 (hg19) VCF-style: chr22-30077523-C-A.
Other names: c.1556C>A, p.Ala519Asp (NM_001407053.1, NM_001407056.1); c.1547C>A, p.Ala516Asp (NM_001407054.1, NM_001407058.1, NM_181829.3); c.1544C>A, p.Ala515Asp (NM_001407055.1, NM_181828.3); c.1535C>A, p.Ala512Asp (NM_001407057.1, NM_001407059.1); c.1412C>A, p.Ala471Asp (NM_001407062.1); c.1421C>A, p.Ala474Asp (NM_001407063.1, NM_181830.3, NM_181831.3); c.1136C>A, p.Ala379Asp (NM_001407065.1); c.1670C>A, p.Ala557Asp (NM_001407066.1, NM_016418.5, NM_181825.3 and 1 more transcripts); and 4 more; short protein forms A512D, A474D, A516D, A557D, A379D, A515D, A519D, A471D.
Identifiers: ClinVar variation 2769239 (VCV002769239.3), dbSNP rs2147123062, ClinGen allele CA411150276.